The following is an entry in ClinVar:

ClinVar aggregate classification (germline): Uncertain significance. Review status: criteria provided, multiple submitters, no conflicts (2 of 4 stars). 2 submissions from 2 submitters: Uncertain significance (2). Last evaluated 2025-03-21.

Conditions:
Inborn genetic diseases. Identifiers: MedGen C0950123, MeSH D030342.
RPGRIP1L-related disorder. Also called: RPGRIP1L-related disorders; RPGRIP1L-related condition. Identifiers: MedGen CN239416.

Submissions (2):

PreventionGenetics, part of Exact Sciences
Classification: Uncertain significance for RPGRIP1L-related condition. Last evaluated: 2025-03-21. Review status: criteria provided, single submitter. Criteria: ACMG Guidelines, 2015. Collection method: clinical testing. Allele origin: germline.
Comment: The RPGRIP1L c.2594T>G variant is predicted to result in the amino acid substitution p.Val865Gly. To our knowledge, this variant has not been reported in the literature or in a large population database (gnomAD), indicating this variant is rare. At this time, the clinical significance of this variant is uncertain due to the absence of conclusive functional and genetic evidence.

Ambry Genetics
Classification: Uncertain significance for Inborn genetic diseases. Last evaluated: 2024-07-16. Review status: criteria provided, single submitter. Criteria: Ambry Variant Classification Scheme 2023. Collection method: clinical testing. Allele origin: germline.

NM_015272.5(RPGRIP1L):c.2594T>G (p.Val865Gly)

Gene: RPGRIP1L (RPGRIP1 like; minus strand). Cytogenetic location: 16q12.2.
Variant type: single nucleotide variant.
Coding change: c.2594T>G on transcript NM_015272.5 (MANE Select); coding-DNA position 2594, T replaced by G.
Protein change: p.Val865Gly; replaces valine 865 with glycine.
Molecular consequence: missense variant.
Genome position (GRCh38, 1-based): chr16:53,645,714, A>C on the plus strand (T>G on the coding strand, the complement: RPGRIP1L is on the minus strand). VCF-style: chr16-53645714-A-C. GRCh37 (hg19) VCF-style: chr16-53679626-A-C.
Other names: c.2594T>G (NM_015272.2); c.2594T>G, p.Val865Gly (NM_001127897.4, NM_001308334.3, NM_001330538.2); short protein forms V865G.
Identifiers: ClinVar variation 3348948 (VCV003348948.3).